The following is an entry in ClinVar:

ClinVar aggregate classification (germline): Uncertain significance (1 of 4 stars; one submission).

Conditions:
Hereditary cancer-predisposing syndrome. Also called: Tumor predisposition; Hereditary neoplastic syndrome; Hereditary Cancer Syndrome; Neoplastic Syndromes, Hereditary. Identifiers: Orphanet 140162, MedGen C0027672, MeSH D009386, MONDO:0015356.

Submission:

Ambry Genetics
Classification: Uncertain significance for Hereditary cancer-predisposing syndrome. Last evaluated: 2025-05-22. Review status: criteria provided, single submitter. Criteria: Ambry Variant Classification Scheme 2023. Collection method: clinical testing. Allele origin: germline.
Comment: The p.Y170* variant (also known as c.510T>A), located in coding exon 3 of the TMEM127 gene, results from a T to A substitution at nucleotide position 510. This changes the amino acid from a tyrosine to a stop codon within coding exon 3. This alteration occurs at the 3' terminus of the TMEM127 gene, is not expected to trigger nonsense-mediated mRNA decay, and impacts the last 29% of the protein. The exact functional effect of this alteration is unknown. Based on the available evidence, the clinical significance of this variant remains unclear.

NM_017849.4(TMEM127):c.510T>A (p.Tyr170Ter)

Gene: TMEM127 (transmembrane protein 127; minus strand). Cytogenetic location: 2q11.2.
Variant type: single nucleotide variant.
Coding change: c.510T>A on transcript NM_017849.4 (MANE Select); coding-DNA position 510, T replaced by A.
Protein change: p.Tyr170Ter; replaces tyrosine 170 with a stop codon.
Molecular consequence: nonsense.
Genome position (GRCh38, 1-based): chr2:96,254,015, A>T on the plus strand (T>A on the coding strand, the complement: TMEM127 is on the minus strand). VCF-style: chr2-96254015-A-T. GRCh37 (hg19) VCF-style: chr2-96919753-A-T.
Other names: c.510T>A, p.Tyr170Ter (NM_001193304.3); c.258T>A, p.Tyr86Ter (NM_001407282.1, NM_001407283.1); short protein forms Y170*, Y86*.
Identifiers: ClinVar variation 3969893 (VCV003969893.1).
Genomic context (GRCh38, chr2:96,254,015, plus strand): 5'-GGCCAGGATTGAGGCTCCACCAGCTCCTGCCACCAGGTAGAAGCTAACGGCGAAGGTGAC[A>T]TAGACCTGGGATCCATGGTACTTCTTATGCTGCTGCTGCTGGGCCAAGATGAGTTCAGAA-3'